The following is an entry in ClinVar:

ClinVar aggregate classification (germline): Pathogenic (1 of 4 stars; one submission).

Conditions:
Primary ciliary dyskinesia. Also called: Ciliary dyskinesia. Identifiers: Orphanet 244, MedGen C0008780, MONDO:0016575, HP:0012265.

Submission:

Labcorp Genetics (formerly Invitae), Labcorp
Classification: Pathogenic for Primary ciliary dyskinesia. Last evaluated: 2023-02-17. Review status: criteria provided, single submitter. Criteria: Invitae Variant Classification Sherloc (09022015). Collection method: clinical testing. Allele origin: germline.
Comment: For these reasons, this variant has been classified as Pathogenic. This variant disrupts a region of the DNAH11 protein in which other variant(s) (p.Trp4505Serfs*10) have been determined to be pathogenic (Invitae). This suggests that this is a clinically significant region of the protein, and that variants that disrupt it are likely to be disease-causing. This variant has not been reported in the literature in individuals affected with DNAH11-related conditions. This variant is not present in population databases (gnomAD no frequency). This sequence change creates a premature translational stop signal (p.Lys4473Serfs*9) in the DNAH11 gene. While this is not anticipated to result in nonsense mediated decay, it is expected to disrupt the last 44 amino acid(s) of the DNAH11 protein.

NM_001277115.2(DNAH11):c.13416_13428del (p.Lys4473fs)

Genes: CDCA7L (cell division cycle associated 7 like; minus strand), DNAH11 (dynein axonemal heavy chain 11; plus strand). Cytogenetic location: 7p15.3.
Variant type: Deletion.
Coding change: c.13416_13428del on transcript NM_001277115.2 (MANE Select); coding-DNA positions 13416 to 13428, 13 bases deleted (CAAACAGACCTAC).
Protein change: p.Lys4473fs; shifts the reading frame from lysine 4473.
Molecular consequence: frameshift variant. On other transcripts: 3 prime UTR variant (3).
Genome position (GRCh38, 1-based): chr7:21,901,119-21,901,131, CAAACAGACCTAC deleted; deleting any 13 consecutive bases within chr7:21,901,117-21,901,131 gives the same sequence; the c. name uses the placement nearest the transcript's 3' end. VCF-style (leftmost placement, unchanged base first): chr7-21901116-AACCAAACAGACCT-A. GRCh37 (hg19) VCF-style: chr7-21940734-AACCAAACAGACCT-A.
Other names: c.*1193_*1205del (NM_001127370.3, NM_001127371.3, NM_018719.5); short protein forms K4473fs.
Identifiers: ClinVar variation 2838485 (VCV002838485.3), dbSNP rs2534165011, ClinGen allele CA2739266356.
Genomic context (GRCh38, chr7:21,901,116, plus strand): 5'-GGAGCTGGCATGCCCTATGCCGGTCATCTTTGCAAAAGCCACCCCCGTGGACAGACAAGA[AACCAAACAGACCT>A]ACGAGTGCCCTGTGTATAGAACCAAACTGAGAGGCCCCAGCTACATCTGGACCTTCAGGC-3'